The following is an entry in ClinVar:

ClinVar aggregate classification (germline): Uncertain significance (1 of 4 stars; one submission).

Conditions:
Joubert syndrome 21 (JBTS21). Identifiers: MedGen C3810212, MONDO:0014288, OMIM 615636.

Allele frequency attached by ClinVar (database versions not stated): gnomAD exomes below 0.00001 and 0.00001; gnomAD 0.00001; TOPMed 0.00001.
gnomAD v4.1: 8 of 1,522,532 alleles (0.00053%); highest among the groups gnomAD compares: African/African-American, 0.0014%; no homozygotes.

Submission:

Labcorp Genetics (formerly Invitae), Labcorp
Classification: Uncertain significance for Joubert syndrome 21. Last evaluated: 2025-04-28. Review status: criteria provided, single submitter. Criteria: Invitae Variant Classification Sherloc (09022015). Collection method: clinical testing. Allele origin: germline.
Comment: This sequence change replaces lysine, which is basic and polar, with glutamic acid, which is acidic and polar, at codon 124 of the CSPP1 protein (p.Lys124Glu). This variant is present in population databases (no rsID available, gnomAD 0.0009%). This variant has not been reported in the literature in individuals affected with CSPP1-related conditions. ClinVar contains an entry for this variant (Variation ID: 1369345). An algorithm developed to predict the effect of missense changes on protein structure and function (PolyPhen-2) suggests that this variant is likely to be disruptive. In summary, the available evidence is currently insufficient to determine the role of this variant in disease. Therefore, it has been classified as a Variant of Uncertain Significance.

NM_001382391.1(CSPP1):c.262A>G (p.Lys88Glu)

Gene: CSPP1 (centrosome and spindle pole associated protein 1; plus strand). Cytogenetic location: 8q13.1.
Variant type: single nucleotide variant.
Coding change: c.262A>G on transcript NM_001382391.1 (MANE Select); coding-DNA position 262, A replaced by G.
Protein change: p.Lys88Glu; replaces lysine 88 with glutamic acid.
Molecular consequence: missense variant. On other transcripts: 5 prime UTR variant (1).
Genome position (GRCh38, 1-based): chr8:67,086,069, A>G. VCF-style: chr8-67086069-A-G. GRCh37 (hg19) VCF-style: chr8-67998304-A-G.
Other names: c.-513A>G (NM_001291339.2); c.262A>G, p.Lys88Glu (NM_001363131.2, NM_001363132.2, NM_001363133.2); c.370A>G, p.Lys124Glu (NM_001364869.1, NM_001364870.1, NM_024790.7); short protein forms K124E, K88E.
Identifiers: ClinVar variation 1369345 (VCV001369345.6), dbSNP rs1332974255, ClinGen allele CA371186818.
Genomic context (GRCh38, chr8:67,086,069, plus strand): 5'-ATTGATTATGGATTAAGTTTACCACTTGGAGAAGACTATGAACGGAAGAAACATAAATTA[A>G]AAGAAGAATTGCGGCAAGATTACAGACGTTATCTTACTCAGGTAATGAGTTCTATTAATG-3'
Protein context (NP_001369320.1, residues 78-98): EDYERKKHKL[Lys88Glu]EELRQDYRRY